The following is an entry in ClinVar:

ClinVar aggregate classification (germline): Conflicting classifications of pathogenicity. Review status: criteria provided, conflicting classifications (1 of 4 stars). 4 submissions from 4 submitters: Uncertain significance (2); Likely benign (1). 1 of the submissions does not count toward it. Last evaluated 2023-11-24.

Conditions:
Hereditary cancer-predisposing syndrome. Also called: Neoplastic Syndromes, Hereditary; Tumor predisposition; Hereditary Cancer Syndrome; Hereditary neoplastic syndrome. Identifiers: Orphanet 140162, MedGen C0027672, MeSH D009386, MONDO:0015356.
Hereditary breast ovarian cancer syndrome. Also called: BRCA1- and BRCA2-Associated Hereditary Breast and Ovarian Cancer; Hereditary breast and ovarian cancer syndrome; Hereditary breast and ovarian cancer; Hereditary breast and ovarian cancer syndrome (HBOC); Breast and ovarian cancer; Hereditary breast and/or ovarian cancer syndrome. Identifiers: Orphanet 145, MedGen C0677776, MeSH D061325, MONDO:0003582. Disease mechanism: loss of function.

Submissions (4):

Labcorp Genetics (formerly Invitae), Labcorp
Classification: Uncertain significance for Hereditary breast ovarian cancer syndrome. Last evaluated: 2023-11-24. Review status: criteria provided, single submitter. Criteria: Invitae Variant Classification Sherloc (09022015). Collection method: clinical testing. Allele origin: germline.
Comment: This sequence change replaces lysine, which is basic and polar, with arginine, which is basic and polar, at codon 776 of the BRCA2 protein (p.Lys776Arg). This variant is not present in population databases (gnomAD no frequency). This variant has not been reported in the literature in individuals affected with BRCA2-related conditions. ClinVar contains an entry for this variant (Variation ID: 232026). Advanced modeling of protein sequence and biophysical properties (such as structural, functional, and spatial information, amino acid conservation, physicochemical variation, residue mobility, and thermodynamic stability) performed at Invitae indicates that this missense variant is not expected to disrupt BRCA2 protein function with a negative predictive value of 95%. In summary, the available evidence is currently insufficient to determine the role of this variant in disease. Therefore, it has been classified as a Variant of Uncertain Significance.

University of Washington Department of Laboratory Medicine, University of Washington
Classification: Likely benign for Hereditary cancer-predisposing syndrome. Last evaluated: 2023-03-23. Review status: criteria provided, single submitter. Criteria: Dines et al. (Genet Med. 2020). Collection method: curation. Allele origin: germline.
Comment: Missense variant in a coldspot region where missense variants are very unlikely to be pathogenic (PMID:31911673).

BRCA2 exon 11 coldspot. Reclassification based on statistical prior probability.

Ambry Genetics
Classification: Uncertain significance for Hereditary cancer-predisposing syndrome. Last evaluated: 2019-01-18. Review status: criteria provided, single submitter. Criteria: Ambry Variant Classification Scheme 2023. Collection method: clinical testing. Allele origin: germline.
Comment: The p.K776R variant (also known as c.2327A>G), located in coding exon 10 of the BRCA2 gene, results from an A to G substitution at nucleotide position 2327. The lysine at codon 776 is replaced by arginine, an amino acid with highly similar properties. This amino acid position is poorly conserved in available vertebrate species with arginine as the refernce amino acid in several species. In addition, this alteration is predicted to be tolerated by in silico analysis. Since supporting evidence is limited at this time, the clinical significance of this alteration remains unclear.

Genetic Services Laboratory, University of Chicago
Classification: Uncertain significance. Last evaluated: 2022-07-27. Review status: no assertion criteria provided. Collection method: clinical testing. Allele origin: germline. Affected: no. Not counted in ClinVar's aggregate classification.
Comment: DNA sequence analysis of the BRCA2 gene demonstrated a sequence change, c.2327A>G, in exon 11 that results in an amino acid change, p.Lys776Arg. This sequence change does not appear to have been previously described in individuals with BRCA2-related disorders and has also not been described in population databases such as ExAC and gnomAD. The p.Lys776Arg change affects a moderately conserved amino acid residue located in a domain of the BRCA2 protein that is known to be functional. The p.Lys776Arg substitution appears to benign using several in-silico pathogenicity prediction tools (SIFT, PolyPhen2, Align GVGD, REVEL). Due to insufficient evidences and the lack of functional studies, the clinical significance of the p.Lys776Arg change remains unknown at this time. Heterozygous pathogenic variants in BRCA2 are associated with an increased risk for multiple cancers including breast, ovarian, prostate, pancreatic, melanoma, hematologic malignancies, and possibly others (PMID: 34275479, 20301425, 20215531, 23099806, 20587410).

NM_000059.4(BRCA2):c.2327A>G (p.Lys776Arg)

Gene: BRCA2 (BRCA2 DNA repair associated; plus strand). Cytogenetic location: 13q13.1.
Variant type: single nucleotide variant.
Coding change: c.2327A>G on transcript NM_000059.4 (MANE Select); coding-DNA position 2327, A replaced by G.
Protein change: p.Lys776Arg; replaces lysine 776 with arginine.
Molecular consequence: missense variant.
Genome position (GRCh38, 1-based): chr13:32,336,682, A>G. VCF-style: chr13-32336682-A-G. GRCh37 (hg19) VCF-style: chr13-32910819-A-G.
Other names: short protein forms K776R.
Identifiers: ClinVar variation 232026 (VCV000232026.10), dbSNP rs876659502, ClinGen allele CA10579533.
Genomic context (GRCh38, chr13:32,336,682, plus strand): 5'-AGAAAAGTCTTTTATATGATCATGAAAATGCCAGCACTCTTATTTTAACTCCTACTTCCA[A>G]GGATGTTCTGTCAAACCTAGTCATGATTTCTAGAGGCAAAGAATCATACAAAATGTCAGA-3'
Protein context (NP_000050.3, residues 766-786): ASTLILTPTS[Lys776Arg]DVLSNLVMIS